The following is an entry in ClinVar:

NM_000812.4(GABRB1):c.315C>T (p.Asn105=)

Gene: GABRB1 (gamma-aminobutyric acid type A receptor subunit beta1; plus strand). Cytogenetic location: 4p12.
Variant type: single nucleotide variant.
Coding change: c.315C>T on transcript NM_000812.4 (MANE Select); coding-DNA position 315, C replaced by T.
Protein change: p.Asn105=; no amino-acid change (asparagine 105 retained).
Molecular consequence: synonymous variant.
Genome position (GRCh38, 1-based): chr4:47,161,323, C>T. VCF-style: chr4-47161323-C-T. GRCh37 (hg19) VCF-style: chr4-47163340-C-T.
Identifiers: ClinVar variation 1558203 (VCV001558203.38), dbSNP rs761816424, ClinGen allele CA2907581.

ClinVar aggregate classification (germline): Likely benign. Review status: criteria provided, multiple submitters, no conflicts (2 of 4 stars). 2 submissions from 2 submitters: Likely benign (2). Last evaluated 2022-11-15.

Allele frequency attached by ClinVar (database versions not stated): ExAC 0.00001; gnomAD exomes 0.00001 and 0.00002.
gnomAD v4.1: 5 of 1,612,218 alleles (0.00031%); highest among the groups gnomAD compares: East Asian, 0.011%; no homozygotes.

Submissions (2):

Labcorp Genetics (formerly Invitae), Labcorp
Classification: Likely benign. Last evaluated: 2022-11-15. Review status: criteria provided, single submitter. Criteria: Invitae Variant Classification Sherloc (09022015). Collection method: clinical testing. Allele origin: germline.

CeGaT Center for Human Genetics Tuebingen
Classification: Likely benign. Last evaluated: 2022-03-01. Review status: criteria provided, single submitter. Criteria: CeGaT Center For Human Genetics Tuebingen Variant Classification Criteria Version 2. Collection method: clinical testing. Allele origin: germline. Affected: yes. Observed: 1 variant allele.
Comment: GABRB1: BP4, BP7